The following is an entry in ClinVar:

ClinVar aggregate classification (germline): Uncertain significance (1 of 4 stars; one submission).

Submission:

Dasa
Classification: Uncertain significance. Last evaluated: 2026-02-19. Review status: criteria provided, single submitter. Criteria: DASA Assertion Criteria. Collection method: clinical testing. Allele origin: germline.
Comment: NM_006922.4(SCN3A):c.2579A>T (p.Lys860Met) is a missense variant that results in the substitution of lysine with methionine. This variant is rare in population databases. Computational prediction algorithms are consistent with a deleterious effect. The currently available literature and clinical evidence are not sufficient to establish a definitive association between this variant and the reported condition. Therefore, this variant is classified as a variant of uncertain significance.

NM_006922.4(SCN3A):c.2579A>T (p.Lys860Met)

Gene: SCN3A (sodium voltage-gated channel alpha subunit 3; minus strand). Cytogenetic location: 2q24.3.
Variant type: single nucleotide variant.
Coding change: c.2579A>T on transcript NM_006922.4 (MANE Select); coding-DNA position 2579, A replaced by T.
Protein change: p.Lys860Met; replaces lysine 860 with methionine.
Molecular consequence: missense variant.
Genome position (GRCh38, 1-based): chr2:165,130,283, T>A on the plus strand (A>T on the coding strand, the complement: SCN3A is on the minus strand). VCF-style: chr2-165130283-T-A. GRCh37 (hg19) VCF-style: chr2-165986793-T-A.
Other names: c.2432A>T, p.Lys811Met (NM_001081676.2, NM_001081677.2); short protein forms K811M, K860M.
Identifiers: ClinVar variation 4885311 (VCV004885311.2).
Genomic context (GRCh38, chr2:165,130,283, plus strand): 5'-CCCACAGAATTGCCAATGATCTTAATTAGCATATTTAGTGTGGGCCAGGATTTTGCCAAC[T>A]TGAAAACTCTAAGCTGTAATCAAGTGAAAAGATGCTGTTAGTAGTAATCATAATATAATT-3'
Protein context (NP_008853.3, residues 850-870): LRSFRLLRVF[Lys860Met]LAKSWPTLNM